The following is an entry in ClinVar:

NM_182643.3(DLC1):c.265G>A (p.Asp89Asn)

Gene: DLC1 (DLC1 Rho GTPase activating protein; minus strand). Cytogenetic location: 8p22.
Variant type: single nucleotide variant.
Coding change: c.265G>A on transcript NM_182643.3 (MANE Select); coding-DNA position 265, G replaced by A.
Protein change: p.Asp89Asn; replaces aspartic acid 89 with asparagine.
Molecular consequence: missense variant. On other transcripts: 5 prime UTR variant (1).
Genome position (GRCh38, 1-based): chr8:13,499,807, C>T on the plus strand (G>A on the coding strand, the complement: DLC1 is on the minus strand). VCF-style: chr8-13499807-C-T. GRCh37 (hg19) VCF-style: chr8-13357316-C-T.
Other names: c.265G>A, p.Asp89Asn (NM_001348081.2, NM_001413124.1, NM_001413125.1 and 1 more transcripts); c.-1187G>A (NM_001348082.2); c.265G>A (NM_182643.2); short protein forms D89N.
Identifiers: ClinVar variation 2057792 (VCV002057792.5), dbSNP rs150090193, ClinGen allele CA4639540.

ClinVar aggregate classification (germline): Uncertain significance. Review status: criteria provided, multiple submitters, no conflicts (2 of 4 stars). 2 submissions from 2 submitters: Uncertain significance (2). Last evaluated 2025-12-22.

Conditions:
DLC1-related disorder. Also called: DLC1-related condition.

Allele frequency attached by ClinVar (database versions not stated): 1000 Genomes Project 30x 0.00016; 1000 Genomes Project 0.00020; ExAC 0.00023; ESP Exome Variant Server 0.00038; gnomAD exomes 0.00042; gnomAD 0.00057; TOPMed 0.00067.
gnomAD v4.1: 698 of 1,614,074 alleles (0.043%); highest among the groups gnomAD compares: Admixed American, 0.11%; no homozygotes.

Submissions (2):

Labcorp Genetics (formerly Invitae), Labcorp
Classification: Uncertain significance. Last evaluated: 2025-12-22. Review status: criteria provided, single submitter. Criteria: Invitae Variant Classification Sherloc (09022015). Collection method: clinical testing. Allele origin: germline.
Comment: This sequence change replaces aspartic acid, which is acidic and polar, with asparagine, which is neutral and polar, at codon 89 of the DLC1 protein (p.Asp89Asn). This variant is present in population databases (rs150090193, gnomAD 0.08%), and has an allele count higher than expected for a pathogenic variant. This variant has not been reported in the literature in individuals affected with DLC1-related conditions. ClinVar contains an entry for this variant (Variation ID: 2057792). An algorithm developed to predict the effect of missense changes on protein structure and function (PolyPhen-2) suggests that this variant is likely to be tolerated. In summary, the available evidence is currently insufficient to determine the role of this variant in disease. Therefore, it has been classified as a Variant of Uncertain Significance.

PreventionGenetics, part of Exact Sciences
Classification: Uncertain significance for DLC1-related condition. Last evaluated: 2022-12-16. Review status: criteria provided, single submitter. Criteria: ACMG Guidelines, 2015. Collection method: clinical testing. Allele origin: germline.
Comment: The DLC1 c.265G>A variant is predicted to result in the amino acid substitution p.Asp89Asn. To our knowledge, this variant has not been reported in the literature. This variant is reported in 0.087% of alleles in individuals of Latino descent in gnomAD. Although we suspect that this variant may be benign, at this time, the clinical significance of this variant is uncertain due to the absence of conclusive functional and genetic evidence.